The following is an entry in ClinVar:

ClinVar aggregate classification (germline): Uncertain significance (1 of 4 stars; one submission).

Submission:

GeneDx
Classification: Uncertain significance. Last evaluated: 2026-05-13. Review status: criteria provided, single submitter. Criteria: GeneDx Variant Classification Process June 2021. Collection method: clinical testing. Allele origin: germline.
Comment: Not observed at significant frequency in large population cohorts (gnomAD); In silico analysis supports that this missense variant has a deleterious effect on protein structure/function; Has not been previously published as pathogenic or benign to our knowledge.

NM_006015.6(ARID1A):c.5716C>T (p.Arg1906Trp)

Gene: ARID1A (AT-rich interaction domain 1A; plus strand). Cytogenetic location: 1p36.11.
Variant type: single nucleotide variant.
Coding change: c.5716C>T on transcript NM_006015.6 (MANE Select); coding-DNA position 5716, C replaced by T.
Protein change: p.Arg1906Trp; replaces arginine 1906 with tryptophan.
Molecular consequence: missense variant.
Genome position (GRCh38, 1-based): chr1:26,779,614, C>T. VCF-style: chr1-26779614-C-T. GRCh37 (hg19) VCF-style: chr1-27106105-C-T.
Other names: c.5065C>T, p.Arg1689Trp (NM_139135.4); short protein forms R1689W, R1906W.
Identifiers: ClinVar variation 3363396 (VCV003363396.2).